The following is an entry in ClinVar:

ClinVar aggregate classification (germline): Uncertain significance (1 of 4 stars; one submission).

Submission:

Labcorp Genetics (formerly Invitae), Labcorp
Classification: Uncertain significance. Last evaluated: 2024-02-23. Review status: criteria provided, single submitter. Criteria: Invitae Variant Classification Sherloc (09022015). Collection method: clinical testing. Allele origin: germline.
Comment: This sequence change replaces leucine, which is neutral and non-polar, with proline, which is neutral and non-polar, at codon 649 of the RIPK1 protein (p.Leu649Pro). This variant is not present in population databases (gnomAD no frequency). This variant has not been reported in the literature in individuals affected with RIPK1-related conditions. An algorithm developed to predict the effect of missense changes on protein structure and function (PolyPhen-2) suggests that this variant is likely to be disruptive. In summary, the available evidence is currently insufficient to determine the role of this variant in disease. Therefore, it has been classified as a Variant of Uncertain Significance.

NM_001354930.2(RIPK1):c.1946T>C (p.Leu649Pro)

Gene: RIPK1 (receptor interacting serine/threonine kinase 1; plus strand). Cytogenetic location: 6p25.2.
Variant type: single nucleotide variant.
Coding change: c.1946T>C on transcript NM_001354930.2 (MANE Select); coding-DNA position 1946, T replaced by C.
Protein change: p.Leu649Pro; replaces leucine 649 with proline.
Molecular consequence: missense variant.
Genome position (GRCh38, 1-based): chr6:3,113,269, T>C. VCF-style: chr6-3113269-T-C. GRCh37 (hg19) VCF-style: chr6-3113503-T-C.
Other names: c.1457T>C, p.Leu486Pro (NM_001317061.3, NM_001354932.2, NM_001354933.2 and 1 more transcripts); c.1808T>C, p.Leu603Pro (NM_001354931.2); c.1946T>C, p.Leu649Pro (NM_003804.6); short protein forms L603P, L649P, L486P.
Identifiers: ClinVar variation 3642792 (VCV003642792.2).